The following is an entry in ClinVar:

NM_001256789.3(CACNA1F):c.2543C>T (p.Pro848Leu)

Gene: CACNA1F (calcium voltage-gated channel subunit alpha1 F; minus strand). Cytogenetic location: Xp11.23.
Variant type: single nucleotide variant.
Coding change: c.2543C>T on transcript NM_001256789.3 (MANE Select); coding-DNA position 2543, C replaced by T.
Protein change: p.Pro848Leu; replaces proline 848 with leucine.
Molecular consequence: missense variant.
Genome position (GRCh38, 1-based): chrX:49,219,634, G>A on the plus strand (C>T on the coding strand, the complement: CACNA1F is on the minus strand). VCF-style: chrX-49219634-G-A. GRCh37 (hg19) VCF-style: chrX-49076093-G-A.
Other names: c.2381C>T, p.Pro794Leu (NM_001256790.3); c.2576C>T, p.Pro859Leu (NM_005183.4); short protein forms P794L, P848L, P859L.
Identifiers: ClinVar variation 3348620 (VCV003348620.1).
Genomic context (GRCh38, chrX:49,219,634, plus strand): 5'-CATGCTCCTCCACCTGCCCTAGCCCCTCCTGCCTCACCCCCTGCCACTTCCGGCACTCAC[G>A]GGTTGGTTTGGCTGAGGCAGAAGAAGGCGCTGCCCTCAGGGATGGGTACCACCTTCTCCT-3'
Protein context (NP_001243718.1, residues 838-858): SAFFCLSQTN[Pro848Leu]LRKGCHTLIH

ClinVar aggregate classification (germline): Uncertain significance (0 of 4 stars; one submission).

Conditions:
CACNA1F-related disorder. Also called: CACNA1F-related condition.

gnomAD v4.1: 4 of 1,201,180 alleles (0.00033%); highest among the groups gnomAD compares: East Asian, 0.006%; no homozygotes.

Submission:

PreventionGenetics, part of Exact Sciences
Classification: Uncertain significance for CACNA1F-related condition. Last evaluated: 2024-08-13. Review status: no assertion criteria provided. Collection method: clinical testing. Allele origin: germline.
Comment: The CACNA1F c.2576C>T variant is predicted to result in the amino acid substitution p.Pro859Leu. To our knowledge, this variant has not been reported in the literature or in a large population database, indicating this variant is rare. At this time, the clinical significance of this variant is uncertain due to the absence of conclusive functional and genetic evidence.